The following is an entry in ClinVar:

ClinVar aggregate classification (germline): Likely benign (1 of 4 stars; one submission).

Allele frequency attached by ClinVar (database versions not stated): gnomAD exomes 0.00001; ExAC 0.00012; ESP Exome Variant Server 0.00032.

Submission:

CeGaT Center for Human Genetics Tuebingen
Classification: Likely benign. Last evaluated: 2022-04-01. Review status: criteria provided, single submitter. Criteria: CeGaT Center For Human Genetics Tuebingen Variant Classification Criteria Version 2. Collection method: clinical testing. Allele origin: germline. Affected: yes. Observed: 1 variant allele.
Comment: AHNAK2: BP4, BP7

NM_138420.4(AHNAK2):c.4320A>G (p.Leu1440=)

Gene: AHNAK2 (AHNAK nucleoprotein 2; minus strand). Cytogenetic location: 14q32.33.
Variant type: single nucleotide variant.
Coding change: c.4320A>G on transcript NM_138420.4 (MANE Select); coding-DNA position 4320, A replaced by G.
Protein change: p.Leu1440=; no amino-acid change (leucine 1440 retained).
Molecular consequence: synonymous variant.
Genome position (GRCh38, 1-based): chr14:104,951,131, T>C on the plus strand (A>G on the coding strand, the complement: AHNAK2 is on the minus strand). VCF-style: chr14-104951131-T-C. GRCh37 (hg19) VCF-style: chr14-105417468-T-C.
Other names: c.4020A>G, p.Leu1340= (NM_001350929.2).
Identifiers: ClinVar variation 2644831 (VCV002644831.24), dbSNP rs372118625, ClinGen allele CA7382529.